The following is an entry in ClinVar:

ClinVar aggregate classification (germline): Likely benign (1 of 4 stars; one submission).

Allele frequency attached by ClinVar (database versions not stated): 1000 Genomes Project 30x 0.00109; 1000 Genomes Project 0.00120.
gnomAD v4.1: 4,750 of 1,515,198 alleles (0.31%); highest among the groups gnomAD compares: South Asian, 0.62%; 19 homozygotes.

Submission:

CeGaT Center for Human Genetics Tuebingen
Classification: Likely benign. Last evaluated: 2023-04-01. Review status: criteria provided, single submitter. Criteria: CeGaT Center For Human Genetics Tuebingen Variant Classification Criteria Version 2. Collection method: clinical testing. Allele origin: germline. Affected: yes. Observed: 4 variant alleles.
Comment: NFIX: BS1

NM_001365902.3(NFIX):c.28-501G>C

Gene: NFIX (nuclear factor I X; plus strand). Cytogenetic location: 19p13.13.
Variant type: single nucleotide variant.
Coding change: c.28-501G>C on transcript NM_001365902.3 (MANE Select); 501 bases into the intron before coding-DNA position 28, G replaced by C.
Molecular consequence: intron variant.
Genome position (GRCh38, 1-based): chr19:13,024,520, G>C. VCF-style: chr19-13024520-G-C. GRCh37 (hg19) VCF-style: chr19-13135334-G-C.
Other names: c.28-501G>C (NM_002501.4, NM_001365982.2); c.3+486G>C (NM_001378404.1, NM_001271044.3).
Identifiers: ClinVar variation 1675724 (VCV001675724.33), dbSNP rs185692550, ClinGen allele CA305547464.
Genomic context (GRCh38, chr19:13,024,520, plus strand): 5'-CTCACTCGCTTGCTCGTGGATGTCATTTTCTGTCTTCTTGGGGGCGGCCAAAAATCGACC[G>C]GTGTCGGGGACCAGAGGCGGCCCCGCACGCCCCCGCGTGTGCGTCCACGGGCGTCTGTGC-3'